The following is an entry in ClinVar:

ClinVar aggregate classification (germline): Likely benign. Review status: criteria provided, single submitter (1 of 4 stars). 2 submissions from 2 submitters: Likely benign (1). 1 of the submissions does not count toward it. Last evaluated 2019-12-31.

Conditions:
NRP2-related disorder. Also called: NRP2-related condition.

Allele frequency attached by ClinVar (database versions not stated): 1000 Genomes Project 0.00020; gnomAD exomes 0.00022; gnomAD 0.00007 and 0.00010; ExAC 0.00030; TOPMed 0.00011; 1000 Genomes Project 30x 0.00016.
gnomAD v4.1: 275 of 1,614,192 alleles (0.017%); highest among the groups gnomAD compares: South Asian, 0.12%; 2 homozygotes.

Submissions (2):

Labcorp Genetics (formerly Invitae), Labcorp
Classification: Likely benign. Last evaluated: 2019-12-31. Review status: criteria provided, single submitter. Criteria: Invitae Variant Classification Sherloc (09022015). Collection method: clinical testing. Allele origin: germline.

PreventionGenetics, part of Exact Sciences
Classification: Likely benign for NRP2-related condition. Last evaluated: 2021-08-19. Review status: no assertion criteria provided. Collection method: clinical testing. Allele origin: germline. Not counted in ClinVar's aggregate classification.
Comment: This variant is classified as likely benign based on ACMG/AMP sequence variant interpretation guidelines (Richards et al. 2015 PMID: 25741868, with internal and published modifications).

NM_003872.3(NRP2):c.1953C>T (p.Leu651=)

Genes: NRP2 (neuropilin 2; plus strand), LOC126806481 (CDK7 strongly-dependent group 2 enhancer GRCh37_chr2:206617009-206618208; plus strand). Cytogenetic location: 2q33.3.
Variant type: single nucleotide variant.
Coding change: c.1953C>T on transcript NM_003872.3 (MANE Select); coding-DNA position 1953, C replaced by T.
Protein change: p.Leu651=; no amino-acid change (leucine 651 retained).
Molecular consequence: synonymous variant.
Genome position (GRCh38, 1-based): chr2:205,752,884, C>T. VCF-style: chr2-205752884-C-T. GRCh37 (hg19) VCF-style: chr2-206617608-C-T.
Other names: c.1953C>T, p.Leu651= (NM_018534.4, NM_201266.2, NM_201267.2 and 1 more transcripts).
Identifiers: ClinVar variation 741818 (VCV000741818.6), dbSNP rs552718450, ClinGen allele CA2069274.